The following is an entry in ClinVar:

NM_001367624.2(ZNF469):c.1130C>T (p.Thr377Ile)

Gene: ZNF469 (zinc finger protein 469; plus strand). Cytogenetic location: 16q24.2.
Variant type: single nucleotide variant.
Coding change: c.1130C>T on transcript NM_001367624.2 (MANE Select); coding-DNA position 1130, C replaced by T.
Protein change: p.Thr377Ile; replaces threonine 377 with isoleucine.
Molecular consequence: missense variant.
Genome position (GRCh38, 1-based): chr16:88,428,600, C>T. VCF-style: chr16-88428600-C-T. GRCh37 (hg19) VCF-style: chr16-88495008-C-T.
Other names: short protein forms T377I.
Identifiers: ClinVar variation 3690374 (VCV003690374.2).

ClinVar aggregate classification (germline): Uncertain significance (1 of 4 stars; one submission).

gnomAD v4.1: 4 of 1,550,230 alleles (0.00026%); highest among the groups gnomAD compares: Middle Eastern, 0.017%; no homozygotes.

Submission:

Labcorp Genetics (formerly Invitae), Labcorp
Classification: Uncertain significance. Last evaluated: 2024-11-11. Review status: criteria provided, single submitter. Criteria: Invitae Variant Classification Sherloc (09022015). Collection method: clinical testing. Allele origin: germline.
Comment: This sequence change replaces threonine, which is neutral and polar, with isoleucine, which is neutral and non-polar, at codon 377 of the ZNF469 protein (p.Thr377Ile). This variant is present in population databases (rs756739680, gnomAD 0.01%). This variant has not been reported in the literature in individuals affected with ZNF469-related conditions. An algorithm developed to predict the effect of missense changes on protein structure and function (PolyPhen-2) suggests that this variant is likely to be disruptive. In summary, the available evidence is currently insufficient to determine the role of this variant in disease. Therefore, it has been classified as a Variant of Uncertain Significance.